The following is an entry in ClinVar:

NM_182914.3(SYNE2):c.15963+218T>G

Gene: SYNE2 (spectrin repeat containing nuclear envelope protein 2; plus strand). Cytogenetic location: 14q23.2.
Variant type: single nucleotide variant.
Coding change: c.15963+218T>G on transcript NM_182914.3 (MANE Select); 218 bases into the intron after coding-DNA position 15963, T replaced by G.
Molecular consequence: intron variant.
Genome position (GRCh38, 1-based): chr14:64,159,013, T>G. VCF-style: chr14-64159013-T-G. GRCh37 (hg19) VCF-style: chr14-64625731-T-G.
Other names: c.15963+218T>G (NM_015180.6).
Identifiers: ClinVar variation 4795368 (VCV004795368.1).

ClinVar aggregate classification (germline): Likely benign (1 of 4 stars; one submission).

gnomAD v4.1: 555 of 152,318 alleles (0.36%); highest among the groups gnomAD compares: Non-Finnish European, 0.61%; 3 homozygotes.

Submission:

GeneDx
Classification: Likely benign. Last evaluated: 2019-10-06. Review status: criteria provided, single submitter. Criteria: GeneDx Variant Classification Process June 2021. Collection method: clinical testing. Allele origin: germline. Affected: yes.
Comment: See Variant Classification Assertion Criteria.